The following is an entry in ClinVar:

NM_144499.3(GNAT1):c.610C>G (p.Arg204Gly)

Gene: GNAT1 (G protein subunit alpha transducin 1; plus strand). Cytogenetic location: 3p21.31.
Variant type: single nucleotide variant.
Coding change: c.610C>G on transcript NM_144499.3 (MANE Select); coding-DNA position 610, C replaced by G.
Protein change: p.Arg204Gly; replaces arginine 204 with glycine.
Molecular consequence: missense variant.
Genome position (GRCh38, 1-based): chr3:50,194,123, C>G. VCF-style: chr3-50194123-C-G. GRCh37 (hg19) VCF-style: chr3-50231556-C-G.
Other names: c.610C>G, p.Arg204Gly (NM_000172.4); c.610C>G (NM_144499.2); short protein forms R204G.
Identifiers: ClinVar variation 1021479 (VCV001021479.8), dbSNP rs777846284, ClinGen allele CA2412657.

ClinVar aggregate classification (germline): Uncertain significance. Review status: criteria provided, multiple submitters, no conflicts (2 of 4 stars). 3 submissions from 3 submitters: Uncertain significance (3). Last evaluated 2026-01-08.

Conditions:
Inborn genetic diseases. Identifiers: MedGen C0950123, MeSH D030342.

Allele frequency attached by ClinVar (database versions not stated): ExAC 0.00001.

Submissions (3):

Labcorp Genetics (formerly Invitae), Labcorp
Classification: Uncertain significance. Last evaluated: 2026-01-08. Review status: criteria provided, single submitter. Criteria: Invitae Variant Classification Sherloc (09022015). Collection method: clinical testing. Allele origin: germline.
Comment: This sequence change replaces arginine, which is basic and polar, with glycine, which is neutral and non-polar, at codon 204 of the GNAT1 protein (p.Arg204Gly). This variant is present in population databases (rs777846284, gnomAD 0.0009%). This variant has not been reported in the literature in individuals affected with GNAT1-related conditions. ClinVar contains an entry for this variant (Variation ID: 1021479). Invitae Evidence Modeling of protein sequence and biophysical properties (such as structural, functional, and spatial information, amino acid conservation, physicochemical variation, residue mobility, and thermodynamic stability) indicates that this missense variant is expected to disrupt GNAT1 protein function with a positive predictive value of 80%. In summary, the available evidence is currently insufficient to determine the role of this variant in disease. Therefore, it has been classified as a Variant of Uncertain Significance.

Ambry Genetics
Classification: Uncertain significance for Inborn genetic diseases. Last evaluated: 2023-03-23. Review status: criteria provided, single submitter. Criteria: Ambry Variant Classification Scheme 2023. Collection method: clinical testing. Allele origin: germline.

Blueprint Genetics
Classification: Uncertain significance. Last evaluated: 2022-11-08. Review status: criteria provided, single submitter. Criteria: ACMG Guidelines, 2015. Collection method: clinical testing. Allele origin: germline.